The following is an entry in ClinVar:

NM_016042.4(EXOSC3):c.24G>T (p.Ala8=)

Gene: EXOSC3 (exosome component 3; minus strand). Cytogenetic location: 9p13.2.
Variant type: single nucleotide variant.
Coding change: c.24G>T on transcript NM_016042.4 (MANE Select); coding-DNA position 24, G replaced by T.
Protein change: p.Ala8=; no amino-acid change (alanine 8 retained).
Molecular consequence: synonymous variant.
Genome position (GRCh38, 1-based): chr9:37,785,021, C>A on the plus strand (G>T on the coding strand, the complement: EXOSC3 is on the minus strand). VCF-style: chr9-37785021-C-A. GRCh37 (hg19) VCF-style: chr9-37785018-C-A.
Other names: c.24G>T, p.Ala8= (NM_001002269.2).
Identifiers: ClinVar variation 387842 (VCV000387842.4), dbSNP rs755145404, ClinGen allele CA5062873.

ClinVar aggregate classification (germline): Likely benign. Review status: criteria provided, multiple submitters, no conflicts (2 of 4 stars). 2 submissions from 2 submitters: Likely benign (2). Last evaluated 2025-09-25.

Conditions:
Pontocerebellar hypoplasia type 1B. Also called: EXOSC3 Pontocerebellar Hypoplasia. Identifiers: Orphanet 2254, MedGen C3553449, MONDO:0013853, OMIM 614678.

Allele frequency attached by ClinVar (database versions not stated): TOPMed 0.00003; gnomAD 0.00004.
gnomAD v4.1: 12 of 1,600,898 alleles (0.00075%); highest among the groups gnomAD compares: African/African-American, 0.016%; no homozygotes.

Submissions (2):

Labcorp Genetics (formerly Invitae), Labcorp
Classification: Likely benign for Pontocerebellar hypoplasia type 1B. Last evaluated: 2025-09-25. Review status: criteria provided, single submitter. Criteria: Invitae Variant Classification Sherloc (09022015). Collection method: clinical testing. Allele origin: germline.

GeneDx
Classification: Likely benign. Last evaluated: 2016-07-26. Review status: criteria provided, single submitter. Criteria: GeneDx Variant Classification (06012015). Collection method: clinical testing. Allele origin: germline. Affected: yes.
Comment: This variant is considered likely benign or benign based on one or more of the following criteria: it is a conservative change, it occurs at a poorly conserved position in the protein, it is predicted to be benign by multiple in silico algorithms, and/or has population frequency not consistent with disease.